The following is an entry in ClinVar:

ClinVar aggregate classification (germline): Pathogenic/Likely pathogenic. Review status: criteria provided, multiple submitters, no conflicts (2 of 4 stars). 7 submissions from 7 submitters: Pathogenic (3); Likely pathogenic (3). 1 of the submissions does not count toward it. Last evaluated 2026-01-26.

Conditions:
CFTR-related disorder (CFTR-RD). Also called: CFTR-related condition; CFTR-related disorders. Identifiers: MedGen C5924204, MONDO:7770004.
Cystic fibrosis (CF). Also called: MUCOVISCIDOSIS. Identifiers: Orphanet 586, MedGen C0010674, MONDO:0009061, OMIM 219700. Disease mechanism: loss of function.
Bronchiectasis with or without elevated sweat chloride 1 (BESC1). Also called: Cystic Fibrosis-Like Syndrome. Identifiers: Orphanet 60033, MedGen C2749757, MONDO:0008887, OMIM 211400.

Allele frequency attached by ClinVar (database versions not stated): TOPMed below 0.00001.

Submissions (7):

Labcorp Genetics (formerly Invitae), Labcorp
Classification: Pathogenic for Cystic fibrosis. Last evaluated: 2026-01-26. Review status: criteria provided, single submitter. Criteria: Invitae Variant Classification Sherloc (09022015). Collection method: clinical testing. Allele origin: germline.
Comment: This sequence change falls in intron 7 of the CFTR gene. It does not directly change the encoded amino acid sequence of the CFTR protein. RNA analysis indicates that this variant induces altered splicing and may result in an absent or altered protein product. This variant is not present in population databases (gnomAD no frequency). This variant has been observed in individuals with cystic fibrosis (PMID: 19759008, 21783433). ClinVar contains an entry for this variant (Variation ID: 54075). Studies have shown that this variant alters mRNA splicing and is expected to lead to the loss of protein expression (PMID: 19759008). For these reasons, this variant has been classified as Pathogenic.

Johns Hopkins Genomics, Johns Hopkins University
Classification: Likely pathogenic for Cystic fibrosis. Last evaluated: 2025-06-10. Review status: criteria provided, single submitter. Criteria: ACMG Guidelines, 2015. Collection method: clinical testing. Allele origin: germline.
Comment: This deep intronic variant has been reported in individuals with features of cystic fibrosis who also carry a second CF-causing variant on the opposite chromosome. This CFTR variant is absent from a large population dataset, but it has been reported in ClinVar (Variation ID: 54075). It is not predicted to impact CFTR splicing by multiple bioinformatics tools; however, two studies demonstrate that this variant causes aberrant CFTR splicing, likely due to the introduction of a new intronic splicing regulatory element in intron 7 (legacy intron 6b). We consider CFTR c.870-1113_870-1110del to be likely pathogenic.

Blueprint Genetics
Classification: Pathogenic for CFTR-related disorders. Last evaluated: 2024-10-28. Review status: criteria provided, single submitter. Criteria: ACMG Guidelines, 2015. Collection method: clinical testing. Allele origin: germline. Affected: yes. Observed: 2 variant alleles.

Baylor Genetics
Classification: Likely pathogenic for Bronchiectasis with or without elevated sweat chloride 1. Last evaluated: 2023-11-21. Review status: criteria provided, single submitter. Criteria: ACMG Guidelines, 2015. Collection method: clinical testing. Allele origin: unknown.

CFTR-France
Classification: Pathogenic for cystic fibrosis; CFTR-related disorders. Last evaluated: 2018-01-29. Review status: criteria provided, single submitter. Criteria: Claustres M et al. (Hum Mutat 2017). Collection method: curation. Allele origin: germline. Affected: yes.
Comment: when the variant is in trans with another CF-causing variation, can either result in CF or in a CFTR-RD

Ambry Genetics
Classification: Likely pathogenic for Cystic fibrosis. Last evaluated: 2017-04-07. Review status: criteria provided, single submitter. Criteria: Ambry Variant Classification Scheme 2023. Collection method: clinical testing. Allele origin: germline.
Comment: The c.870-1110_870-1113delGAAT intronic variant, located in intron 7 of the CFTR gene, results from a deletion of 4 nucleotides within intron 7 of the CFTR gene. Two studies evaluating mRNA from patients' nasal epithelial cells revealed the inclusion of 97 base pairs of intron 7 sequence between exons 7 and 8 (Fa&agrave; V et al. J. Biol. Chem., 2009 Oct;284:30024-31; Costa C et al. J. Cyst. Fibros., 2011 Dec;10:479-82). A minigene assay of wild-type and mutant constructs further demonstrated that this deletion abolished the binding site for hnRNPA2/B1 and created a binding site for SRp75 splicing factor (Fa&agrave; V et al. J. Biol. Chem., 2009 Oct;284:30024-31). Multiple patients, mostly of Italian or French origin, have been described to be heterozygous for this alteration and a second pathogenic mutation; methods for phasing (cis vs. trans) were not described. Reported phenotypes and age at diagnosis have varied, but are most consistent with classic cystic fibrosis (Fa&agrave; V et al. J. Biol. Chem., 2009 Oct;284:30024-31; Costa C et al. J. Cyst. Fibros., 2011 Dec;10:479-82). Based on the majority of available evidence to date, this variant is likely to be pathogenic.

ClinVar Staff, National Center for Biotechnology Information (NCBI)
No classification provided. Condition: CFTR-related disorders. Review status: no classification provided. Collection method: literature only. Allele origin: germline. Affected: yes. Not counted in ClinVar's aggregate classification.

Literature cited by the submitters: PubMed 19759008 (cited by 4 submitters); PubMed 21783433 (cited by 3 submitters); PubMed 34761808 (cited by Johns Hopkins Genomics, Johns Hopkins University).

NM_000492.4(CFTR):c.870-1113_870-1110del

Gene: CFTR (CF transmembrane conductance regulator; plus strand). Cytogenetic location: 7q31.2.
Variant type: Deletion.
Coding change: c.870-1113_870-1110del on transcript NM_000492.4 (MANE Select); 1113 bases into the intron before coding-DNA position 870 through 1110 bases into the intron before coding-DNA position 870, 4 bases deleted (GAAT; older notation c.870-1113_870-1110delGAAT).
Molecular consequence: intron variant.
Genome position (GRCh38, 1-based): chr7:117,538,987-117,538,990, GAAT deleted. VCF-style (leftmost placement, unchanged base first): chr7-117538986-AGAAT-A. GRCh37 (hg19) VCF-style: chr7-117179040-AGAAT-A.
Other names: c.870-1113_870-1110delGAAT (NM_000492.3).
Identifiers: ClinVar variation 54075 (VCV000054075.15), dbSNP rs397508809, ClinGen allele CA327676.